The following is an entry in ClinVar:

NM_000256.3(MYBPC3):c.283A>T (p.Ile95Leu)

Gene: MYBPC3 (myosin binding protein C3; minus strand). Cytogenetic location: 11p11.2.
Variant type: single nucleotide variant.
Coding change: c.283A>T on transcript NM_000256.3 (MANE Select); coding-DNA position 283, A replaced by T.
Protein change: p.Ile95Leu; replaces isoleucine 95 with leucine.
Molecular consequence: missense variant.
Genome position (GRCh38, 1-based): chr11:47,351,248, T>A on the plus strand (A>T on the coding strand, the complement: MYBPC3 is on the minus strand). VCF-style: chr11-47351248-T-A. GRCh37 (hg19) VCF-style: chr11-47372799-T-A.
Other names: short protein forms I95L.
Identifiers: ClinVar variation 3387152 (VCV003387152.1).

ClinVar aggregate classification (germline): Uncertain significance (1 of 4 stars; one submission).

Conditions:
Hypertrophic cardiomyopathy. Also called: HYPERTROPHIC MYOCARDIOPATHY. Identifiers: Orphanet 217569, MedGen C0007194, MeSH D002312, MONDO:0005045, HP:0001639.

Submission:

All of Us Research Program, National Institutes of Health
Classification: Uncertain significance for Hypertrophic cardiomyopathy. Last evaluated: 2024-09-23. Review status: criteria provided, single submitter. Criteria: ACMG Guidelines, 2015. Collection method: clinical testing. Allele origin: germline. Inheritance: Autosomal dominant inheritance. Observed: 2 variant alleles, 2 heterozygotes.
Comment: This missense variant replaces isoleucine with leucine at codon 95 of the MYBPC3 protein. Computational prediction suggests that this variant may not impact protein structure and function (internally defined REVEL score threshold <= 0.5, PMID: 27666373). To our knowledge, functional studies have not been reported for this variant. This variant has not been reported in individuals affected with MYBPC3-related disorders in the literature. This variant has not been identified in the general population by the Genome Aggregation Database (gnomAD). The available evidence is insufficient to determine the role of this variant in disease conclusively. Therefore, this variant is classified as a Variant of Uncertain Significance.

This study involves interpretation of variants in research participants for the purpose of population health screening. Participant phenotype was not available at the time of variant classification. Additional details can be found in publication PMID: 35346344, PMCID: PMC8962531